The following is an entry in ClinVar:

NM_080732.4(EGLN2):c.591C>A (p.Phe197Leu)

Genes: EGLN2 (egl-9 family hypoxia inducible factor 2; plus strand), RAB4B-EGLN2 (RAB4B-EGLN2 readthrough (NMD candidate); plus strand). Cytogenetic location: 19q13.2.
Variant type: single nucleotide variant.
Coding change: c.591C>A on transcript NM_080732.4 (MANE Select); coding-DNA position 591, C replaced by A.
Protein change: p.Phe197Leu; replaces phenylalanine 197 with leucine.
Molecular consequence: missense variant. On other transcripts: non-coding transcript variant (1).
Genome position (GRCh38, 1-based): chr19:40,801,163, C>A. VCF-style: chr19-40801163-C-A. GRCh37 (hg19) VCF-style: chr19-41307068-C-A.
Other names: c.591C>A, p.Phe197Leu (NM_053046.4); short protein forms F197L.
Identifiers: ClinVar variation 1750481 (VCV001750481.2), dbSNP rs1033606117, ClinGen allele CA405955583.

ClinVar aggregate classification (germline): Uncertain significance (1 of 4 stars; one submission).

Submission:

Ambry Genetics
Classification: Uncertain significance. Last evaluated: 2021-07-16. Review status: criteria provided, single submitter. Criteria: Ambry Variant Classification Scheme 2023. Collection method: clinical testing. Allele origin: germline.
Comment: The p.F197L variant (also known as c.591C>A), located in coding exon 1 of the EGLN2 gene, results from a C to A substitution at nucleotide position 591. The phenylalanine at codon 197 is replaced by leucine, an amino acid with highly similar properties. This amino acid position is conserved. In addition, this alteration is predicted to be tolerated by in silico analysis. Since supporting evidence is limited at this time, the clinical significance of this alteration remains unclear.